The following is an entry in ClinVar:

NM_001256071.3(RNF213):c.1466C>T (p.Ser489Leu)

Gene: RNF213 (ring finger protein 213; plus strand). Cytogenetic location: 17q25.3.
Variant type: single nucleotide variant.
Coding change: c.1466C>T on transcript NM_001256071.3 (MANE Select); coding-DNA position 1466, C replaced by T.
Protein change: p.Ser489Leu; replaces serine 489 with leucine.
Molecular consequence: missense variant.
Genome position (GRCh38, 1-based): chr17:80,291,822, C>T. VCF-style: chr17-80291822-C-T. GRCh37 (hg19) VCF-style: chr17-78265621-C-T.
Other names: c.1613C>T, p.Ser538Leu (NM_001410195.1, NM_020914.5); c.1466C>T, p.Ser489Leu (NM_020954.4); short protein forms S489L, S538L.
Identifiers: ClinVar variation 4084346 (VCV004084346.9).
Genomic context (GRCh38, chr17:80,291,822, plus strand): 5'-AGCAGAAGAAGGGCGAGTACGTCAACCGCTGTCTGTTCATAAAATCTTCACTTCTGGGCT[C>T]AGGAGGTAAGTCGTGGCAGCAGGCTGTCTGCTCACCCCTCCGGAGTGCAGGTGCCAATCC-3'
Protein context (NP_001243000.2, residues 479-499): CLFIKSSLLG[Ser489Leu]GDWHQYYDIV

ClinVar aggregate classification (germline): Likely benign. Review status: criteria provided, multiple submitters, no conflicts (2 of 4 stars). 2 submissions from 2 submitters: Likely benign (2). Last evaluated 2025-08-01.

gnomAD v4.1: 731 of 1,614,194 alleles (0.045%); highest among the groups gnomAD compares: South Asian, 0.75%; 9 homozygotes.

Submissions (2):

CeGaT Center for Human Genetics Tuebingen
Classification: Likely benign. Last evaluated: 2025-08-01. Review status: criteria provided, single submitter. Criteria: CeGaT Center For Human Genetics Tuebingen Variant Classification Criteria Version 2. Collection method: clinical testing. Allele origin: germline. Affected: yes. Observed: 1 variant allele.
Comment: RNF213: BP4, BS2

Blueprint Genetics
Classification: Likely benign. Last evaluated: 2024-11-18. Review status: criteria provided, single submitter. Criteria: ACMG Guidelines, 2015. Collection method: clinical testing. Allele origin: germline.